The following is an entry in ClinVar:

ClinVar aggregate classification (germline): Conflicting classifications of pathogenicity. Review status: criteria provided, conflicting classifications (1 of 4 stars). 2 submissions from 2 submitters: Uncertain significance (1); Likely benign (1). Last evaluated 2026-02-20.

Conditions:
NBAS-related disorder. Also called: NBAS-related condition.

Allele frequency attached by ClinVar (database versions not stated): gnomAD exomes 0.00001; TOPMed 0.00002; gnomAD 0.00003; ExAC 0.00004; 1000 Genomes Project 0.00040; 1000 Genomes Project 30x 0.00047.
gnomAD v4.1: 17 of 1,612,924 alleles (0.0011%); highest among the groups gnomAD compares: South Asian, 0.0066%; no homozygotes.

Submissions (2):

PreventionGenetics, part of Exact Sciences
Classification: Uncertain significance for NBAS-related condition. Last evaluated: 2026-02-20. Review status: criteria provided, single submitter. Criteria: ACMG Guidelines, 2015. Collection method: clinical testing. Allele origin: germline.
Comment: The NBAS c.3166G>A variant is predicted to result in the amino acid substitution p.Glu1056Lys. To our knowledge, this variant has not been reported in the literature. This variant is reported in 0.020% of alleles in individuals of South Asian descent in gnomAD. At this time, the clinical significance of this variant is uncertain due to the absence of conclusive functional and genetic evidence.

Labcorp Genetics (formerly Invitae), Labcorp
Classification: Likely benign. Last evaluated: 2025-05-19. Review status: criteria provided, single submitter. Criteria: Invitae Variant Classification Sherloc (09022015). Collection method: clinical testing. Allele origin: germline.

NM_015909.4(NBAS):c.3166G>A (p.Glu1056Lys)

Gene: NBAS (NBAS subunit of NRZ tethering complex; minus strand). Cytogenetic location: 2p24.3.
Variant type: single nucleotide variant.
Coding change: c.3166G>A on transcript NM_015909.4 (MANE Select); coding-DNA position 3166, G replaced by A.
Protein change: p.Glu1056Lys; replaces glutamic acid 1056 with lysine.
Molecular consequence: missense variant. On other transcripts: non-coding transcript variant (1).
Genome position (GRCh38, 1-based): chr2:15,394,318, C>T on the plus strand (G>A on the coding strand, the complement: NBAS is on the minus strand). VCF-style: chr2-15394318-C-T. GRCh37 (hg19) VCF-style: chr2-15534442-C-T.
Other names: c.3166G>A (NM_015909.3); short protein forms E1056K.
Identifiers: ClinVar variation 1982152 (VCV001982152.5), dbSNP rs552190002, ClinGen allele CA1536118.
Genomic context (GRCh38, chr2:15,394,318, plus strand): 5'-TCAGCTTGCGTGCCTCTTCTGAGCTAGATTGAGTGTTTTTAACAAATGAAATTGGTTTCT[C>T]GAGTCCATGTTTTTCCAAAAGCTCTGACACACTATAAGTGAAAAAAGAATTATTTAATGT-3'
Protein context (NP_056993.2, residues 1046-1066): VSELLEKHGL[Glu1056Lys]KPISFVKNTQ